The following is an entry in ClinVar:

NM_182961.4(SYNE1):c.12203G>A (p.Ser4068Asn)

Gene: SYNE1 (spectrin repeat containing nuclear envelope protein 1; minus strand). Cytogenetic location: 6q25.2.
Variant type: single nucleotide variant.
Coding change: c.12203G>A on transcript NM_182961.4 (MANE Select); coding-DNA position 12203, G replaced by A.
Protein change: p.Ser4068Asn; replaces serine 4068 with asparagine.
Molecular consequence: missense variant.
Genome position (GRCh38, 1-based): chr6:152,344,103, C>T on the plus strand (G>A on the coding strand, the complement: SYNE1 is on the minus strand). VCF-style: chr6-152344103-C-T. GRCh37 (hg19) VCF-style: chr6-152665238-C-T.
Other names: c.11990G>A, p.Ser3997Asn (NM_033071.5); short protein forms S3997N, S4068N.
Identifiers: ClinVar variation 661623 (VCV000661623.33), dbSNP rs1366322267, ClinGen allele CA366111777.

ClinVar aggregate classification (germline): Uncertain significance. Review status: criteria provided, multiple submitters, no conflicts (2 of 4 stars). 3 submissions from 3 submitters: Uncertain significance (3). Last evaluated 2023-07-01.

Conditions:
Autosomal recessive ataxia, Beauce type. Also called: Spinocerebellar ataxia, autosomal recessive 8; SYNE1 Deficiency; SYNE1-Related Autosomal Recessive Cerebellar Ataxia; ATAXIA, RECESSIVE, OF BEAUCE. Identifiers: Orphanet 88644, MedGen C1853116, MONDO:0012549, OMIM 610743.
Emery-Dreifuss muscular dystrophy 4, autosomal dominant (EDMD4). Also called: EMERY-DREIFUSS MUSCULAR DYSTROPHY 4 WITH VARIABLE FEATURES. Identifiers: Orphanet 261, MedGen C2751807, MONDO:0013071, OMIM 612998.

Allele frequency attached by ClinVar (database versions not stated): gnomAD exomes below 0.00001; TOPMed 0.00001.
gnomAD v4.1: 2 of 1,614,222 alleles (0.00012%); highest among the groups gnomAD compares: Non-Finnish European, 0.00017%; no homozygotes.

Submissions (3):

CeGaT Center for Human Genetics Tuebingen
Classification: Uncertain significance. Last evaluated: 2023-07-01. Review status: criteria provided, single submitter. Criteria: CeGaT Center For Human Genetics Tuebingen Variant Classification Criteria Version 2. Collection method: clinical testing. Allele origin: germline. Affected: yes. Observed: 1 variant allele.
Comment: SYNE1: PM2

Labcorp Genetics (formerly Invitae), Labcorp
Classification: Uncertain significance for Emery-Dreifuss muscular dystrophy 4, autosomal dominant; Autosomal recessive ataxia, Beauce type. Last evaluated: 2022-10-04. Review status: criteria provided, single submitter. Criteria: Invitae Variant Classification Sherloc (09022015). Collection method: clinical testing. Allele origin: germline.
Comment: This sequence change replaces serine, which is neutral and polar, with asparagine, which is neutral and polar, at codon 3997 of the SYNE1 protein (p.Ser3997Asn). This variant is not present in population databases (gnomAD no frequency). This variant has not been reported in the literature in individuals affected with SYNE1-related conditions. ClinVar contains an entry for this variant (Variation ID: 661623). Algorithms developed to predict the effect of missense changes on protein structure and function are either unavailable or do not agree on the potential impact of this missense change (SIFT: "Deleterious"; PolyPhen-2: "Probably Damaging"; Align-GVGD: "Class C0"). In summary, the available evidence is currently insufficient to determine the role of this variant in disease. Therefore, it has been classified as a Variant of Uncertain Significance.

Athena Diagnostics
Classification: Uncertain significance. Last evaluated: 2018-11-02. Review status: criteria provided, single submitter. Criteria: Athena Diagnostics Criteria. Collection method: clinical testing. Allele origin: germline.